The following is an entry in ClinVar:

ClinVar aggregate classification (germline): Uncertain significance (1 of 4 stars; one submission).

Submission:

GeneDx
Classification: Uncertain significance. Last evaluated: 2017-08-25. Review status: criteria provided, single submitter. Criteria: GeneDx Variant Classification (06012015). Collection method: clinical testing. Allele origin: germline. Affected: yes.
Comment: The D73H variant has not been published as a pathogenic variant, nor has it been reported as a benign variant to our knowledge. The D73H variant is not observed in large population cohorts (Lek et al., 2016; 1000 Genomes Consortium et al., 2015; Exome Variant Server). The D73H variant is a non-conservative amino acid substitution, which is likely to impact secondary protein structure as these residues differ in polarity, charge, size and/or other properties. Additionally, this substitution occurs at a position that is conserved across species, and in silico analysis predicts this variant is probably damaging to the protein structure/function. Based on the currently available information, it is unclear whether this variant is a pathogenic variant or a rare benign variant.

NM_001110556.2(FLNA):c.217G>C (p.Asp73His)

Gene: FLNA (filamin A; minus strand). Cytogenetic location: Xq28.
Variant type: single nucleotide variant.
Coding change: c.217G>C on transcript NM_001110556.2 (MANE Select); coding-DNA position 217, G replaced by C.
Protein change: p.Asp73His; replaces aspartic acid 73 with histidine.
Molecular consequence: missense variant.
Genome position (GRCh38, 1-based): chrX:154,371,029, C>G on the plus strand (G>C on the coding strand, the complement: FLNA is on the minus strand). VCF-style: chrX-154371029-C-G. GRCh37 (hg19) VCF-style: chrX-153599397-C-G.
Other names: c.217G>C, p.Asp73His (NM_001456.4); short protein forms D73H.
Identifiers: ClinVar variation 451451 (VCV000451451.1), dbSNP rs1557180192, ClinGen allele CA415254938.
Genomic context (GRCh38, chrX:154,371,029, plus strand): 5'-GCTTGCGGTGCATCTTCTTCTGGCTGAGCACCTCCAACAGCGCGATAAGCCGCAGCCCGT[C>G]GCTCAGGTCCGTCTGCAGGTTGGCGATGCGCTTGCTCACGCACTTCAGGTGCTCGTTGCA-3'
Protein context (NP_001104026.1, residues 63-83): RIANLQTDLS[Asp73His]GLRLIALLEV